The following is an entry in ClinVar:

ClinVar aggregate classification (germline): Likely benign. Review status: criteria provided, multiple submitters, no conflicts (2 of 4 stars). 3 submissions from 3 submitters: Likely benign (3). Last evaluated 2026-01-07.

Conditions:
Hereditary cancer-predisposing syndrome. Also called: Tumor predisposition; Hereditary neoplastic syndrome; Hereditary Cancer Syndrome; Neoplastic Syndromes, Hereditary. Identifiers: Orphanet 140162, MedGen C0027672, MeSH D009386, MONDO:0015356.
Gorlin syndrome. Also called: Nevoid Basal Cell Carcinoma Syndrome; Basal cell nevus syndrome. Identifiers: Orphanet 377, MedGen C0004779, MONDO:0007187.

Allele frequency attached by ClinVar (database versions not stated): gnomAD exomes below 0.00001; gnomAD 0.00001; TOPMed 0.00001.
gnomAD v4.1: 3 of 1,614,108 alleles (0.00019%); highest among the groups gnomAD compares: Non-Finnish European, 0.00025%; no homozygotes.

Submissions (3):

Labcorp Genetics (formerly Invitae), Labcorp
Classification: Likely benign for Gorlin syndrome. Last evaluated: 2026-01-07. Review status: criteria provided, single submitter. Criteria: Invitae Variant Classification Sherloc (09022015). Collection method: clinical testing. Allele origin: germline.

CeGaT Center for Human Genetics Tuebingen
Classification: Likely benign. Last evaluated: 2023-09-01. Review status: criteria provided, single submitter. Criteria: CeGaT Center For Human Genetics Tuebingen Variant Classification Criteria Version 2. Collection method: clinical testing. Allele origin: germline. Affected: yes. Observed: 1 variant allele.
Comment: PTCH1: BP4, BP7

Ambry Genetics
Classification: Likely benign for Hereditary cancer-predisposing syndrome. Last evaluated: 2020-10-16. Review status: criteria provided, single submitter. Criteria: Ambry Variant Classification Scheme 2023. Collection method: clinical testing. Allele origin: germline.

NM_000264.5(PTCH1):c.2685G>A (p.Lys895=)

Gene: PTCH1 (patched 1; minus strand). Cytogenetic location: 9q22.32.
Variant type: single nucleotide variant.
Coding change: c.2685G>A on transcript NM_000264.5 (MANE Select); coding-DNA position 2685, G replaced by A.
Protein change: p.Lys895=; no amino-acid change (lysine 895 retained).
Molecular consequence: synonymous variant. On other transcripts: non-coding transcript variant (1).
Genome position (GRCh38, 1-based): chr9:95,461,874, C>T on the plus strand (G>A on the coding strand, the complement: PTCH1 is on the minus strand). VCF-style: chr9-95461874-C-T. GRCh37 (hg19) VCF-style: chr9-98224156-C-T.
Other names: c.2487G>A, p.Lys829= (NM_001083602.3); c.2682G>A, p.Lys894= (NM_001083603.3); c.2232G>A, p.Lys744= (NM_001083604.3, NM_001083605.3, NM_001083606.3 and 1 more transcripts); c.2529G>A, p.Lys843= (NM_001354918.2).
Identifiers: ClinVar variation 1156507 (VCV001156507.35), dbSNP rs1431878972, ClinGen allele CA466112555.
Genomic context (GRCh38, chr9:95,461,874, plus strand): 5'-CGCAGCCCTGGAAGCGCCCTCAGTGCCCAGCAGCTGGAGTACCTGGCTGATGTCGATGGG[C>T]TTATCGCGGCTGCCGGTTTGCACCAGGAGTTTGTAGGCAAGGACTCCATCGTCTGATCCA-3'
Protein context (NP_000255.2, residues 885-905): KLLVQTGSRD[Lys895=]PIDISQLTKQ